The following is an entry in ClinVar:

NM_000245.4(MET):c.2517T>G (p.Pro839=)

Gene: MET (MET proto-oncogene, receptor tyrosine kinase; plus strand). Cytogenetic location: 7q31.2.
Variant type: single nucleotide variant.
Coding change: c.2517T>G on transcript NM_000245.4 (MANE Select); coding-DNA position 2517, T replaced by G.
Protein change: p.Pro839=; no amino-acid change (proline 839 retained).
Molecular consequence: synonymous variant.
Genome position (GRCh38, 1-based): chr7:116,763,202, T>G. VCF-style: chr7-116763202-T-G. GRCh37 (hg19) VCF-style: chr7-116403256-T-G.
Other names: c.2571T>G, p.Pro857= (NM_001127500.3); c.2517T>G, p.Pro839= (NM_001324401.3); c.1227T>G, p.Pro409= (NM_001324402.2).
Identifiers: ClinVar variation 701795 (VCV000701795.14), dbSNP rs1584947055, ClinGen allele CA457441454.
Genomic context (GRCh38, chr7:116,763,202, plus strand): 5'-CTTTTTCATGTTAGATGGGATCCTTTCCAAATACTTTGATCTCATTTATGTACATAATCC[T>G]GTGTTTAAGCCTTTTGAAAAGCCAGTGATGATCTCAATGGGCAATGAAAATGTACTGGAA-3'
Protein context (NP_000236.2, residues 829-849): KYFDLIYVHN[Pro839=]VFKPFEKPVM

ClinVar aggregate classification (germline): Benign/Likely benign. Review status: criteria provided, multiple submitters, no conflicts (2 of 4 stars). 3 submissions from 3 submitters: Benign (1); Likely benign (2). Last evaluated 2025-12-17.

Conditions:
Hereditary cancer-predisposing syndrome. Also called: Neoplastic Syndromes, Hereditary; Hereditary Cancer Syndrome; Hereditary neoplastic syndrome; Tumor predisposition. Identifiers: Orphanet 140162, MedGen C0027672, MeSH D009386, MONDO:0015356.
Papillary renal cell carcinoma type 1 (RCCP1). Also called: RENAL CELL CARCINOMA, PAPILLARY, 1, SOMATIC; Renal adenocarcinoma; Renal cell carcinoma 1; Renal cell carcinoma, somatic. Identifiers: Orphanet 47044, MedGen C1336839, OMIM 605074, HP:0011797.
Renal cell carcinoma. Identifiers: Orphanet 217071, MedGen C0007134, MeSH D002292, MONDO:0005086, HP:0005584.

Allele frequency attached by ClinVar (database versions not stated): gnomAD exomes 0.00002.
gnomAD v4.1: 25 of 1,614,092 alleles (0.0015%); highest among the groups gnomAD compares: Non-Finnish European, 0.002%; no homozygotes.

Submissions (4):

Labcorp Genetics (formerly Invitae), Labcorp
Classification: Likely benign for Renal cell carcinoma. Last evaluated: 2025-12-17. Review status: criteria provided, single submitter. Criteria: Invitae Variant Classification Sherloc (09022015). Collection method: clinical testing. Allele origin: germline.

Myriad Genetics, Inc.
Classification: Benign for Papillary renal cell carcinoma type 1. Last evaluated: 2024-11-11. Review status: criteria provided, single submitter. Criteria: Myriad Autosomal Dominant, Autosomal Recessive and X-Linked Classification Criteria (2023). Collection method: clinical testing. Allele origin: unknown.
Comment: This variant is considered benign. This variant is a silent/synonymous amino acid change and it is not expected to impact splicing.

Ambry Genetics
Classification: Likely benign for Hereditary cancer-predisposing syndrome. Last evaluated: 2022-02-12. Review status: criteria provided, single submitter. Criteria: Ambry Variant Classification Scheme 2023. Collection method: clinical testing. Allele origin: germline.

Dr. Peter K. Rogan Lab, Western University
No classification provided (evidence only). Condition: Cervical cancer. Review status: no classification provided. Collection method: in vitro. Allele origin: not applicable. Functional consequence: retained intron. Not counted in ClinVar's aggregate classification.